The following is an entry in ClinVar:

NM_133433.4(NIPBL):c.653T>C (p.Ile218Thr)

Gene: NIPBL (NIPBL cohesin loading factor; plus strand). Cytogenetic location: 5p13.2.
Variant type: single nucleotide variant.
Coding change: c.653T>C on transcript NM_133433.4 (MANE Select); coding-DNA position 653, T replaced by C.
Protein change: p.Ile218Thr; replaces isoleucine 218 with threonine.
Molecular consequence: missense variant.
Genome position (GRCh38, 1-based): chr5:36,970,918, T>C. VCF-style: chr5-36970918-T-C. GRCh37 (hg19) VCF-style: chr5-36971020-T-C.
Other names: c.653T>C, p.Ile218Thr (NM_015384.5); short protein forms I218T.
Identifiers: ClinVar variation 2412826 (VCV002412826.3), dbSNP rs2479088975, ClinGen allele CA359478372.

ClinVar aggregate classification (germline): Uncertain significance (1 of 4 stars; one submission).

Submission:

GeneDx
Classification: Uncertain significance. Last evaluated: 2022-07-26. Review status: criteria provided, single submitter. Criteria: GeneDx Variant Classification Process June 2021. Collection method: clinical testing. Allele origin: germline. Affected: yes.
Comment: Not observed at significant frequency in large population cohorts (gnomAD); In silico analysis supports that this missense variant does not alter protein structure/function; Has not been previously published as pathogenic or benign to our knowledge